The following is an entry in ClinVar:

ClinVar aggregate classification (germline): Uncertain significance (1 of 4 stars; one submission).

Allele frequency attached by ClinVar (database versions not stated): TOPMed below 0.00001; gnomAD 0.00001; gnomAD exomes 0.00001.
gnomAD v4.1: 6 of 1,613,764 alleles (0.00037%); highest among the groups gnomAD compares: Middle Eastern, 0.016%; no homozygotes.

Submission:

Labcorp Genetics (formerly Invitae), Labcorp
Classification: Uncertain significance. Last evaluated: 2021-06-24. Review status: criteria provided, single submitter. Criteria: Invitae Variant Classification Sherloc (09022015). Collection method: clinical testing. Allele origin: germline.
Comment: In summary, the available evidence is currently insufficient to determine the role of this variant in disease. Therefore, it has been classified as a Variant of Uncertain Significance. Algorithms developed to predict the effect of missense changes on protein structure and function are either unavailable or do not agree on the potential impact of this missense change (SIFT: "Deleterious"; PolyPhen-2: "Benign"; Align-GVGD: "Class C25"). This variant has not been reported in the literature in individuals with ZNF513-related conditions. This variant is not present in population databases (ExAC no frequency). This sequence change replaces arginine with lysine at codon 222 of the ZNF513 protein (p.Arg222Lys). The arginine residue is highly conserved and there is a small physicochemical difference between arginine and lysine.

NM_144631.6(ZNF513):c.665G>A (p.Arg222Lys)

Gene: ZNF513 (zinc finger protein 513; minus strand). Cytogenetic location: 2p23.3.
Variant type: single nucleotide variant.
Coding change: c.665G>A on transcript NM_144631.6 (MANE Select); coding-DNA position 665, G replaced by A.
Protein change: p.Arg222Lys; replaces arginine 222 with lysine.
Molecular consequence: missense variant.
Genome position (GRCh38, 1-based): chr2:27,378,601, C>T on the plus strand (G>A on the coding strand, the complement: ZNF513 is on the minus strand). VCF-style: chr2-27378601-C-T. GRCh37 (hg19) VCF-style: chr2-27601468-C-T.
Other names: c.479G>A, p.Arg160Lys (NM_001201459.2); short protein forms R160K, R222K.
Identifiers: ClinVar variation 1500816 (VCV001500816.8), dbSNP rs1683465175, ClinGen allele CA346217856.